The following is an entry in ClinVar:

ClinVar aggregate classification (germline): Uncertain significance. Review status: criteria provided, multiple submitters, no conflicts (2 of 4 stars). 2 submissions from 2 submitters: Uncertain significance (2). Last evaluated 2026-04-28.

Conditions:
Epidermolysis bullosa simplex, Ogna type (EBS5A). Also called: Pidermolysis bullosa simplex 5A, Ogna type; EPIDERMOLYSIS BULLOSA SIMPLEX 5A, OGNA TYPE. Identifiers: Orphanet 79401, MedGen C0432317, MONDO:0007555, OMIM 131950.
Epidermolysis bullosa simplex with nail dystrophy (EBS5D). Identifiers: MedGen C4225309, MONDO:0014661, OMIM 616487.
Epidermolysis bullosa simplex 5B, with muscular dystrophy (EBS5B). Also called: EPIDERMOLYSIS BULLOSA SIMPLEX AND LIMB-GIRDLE MUSCULAR DYSTROPHY; Epidermolysis bullosa simplex with muscular dystrophy. Identifiers: Orphanet 257, MedGen C2931072, MONDO:0009181, OMIM 226670.
Epidermolysis bullosa simplex 5C, with pyloric atresia (EBS5C). Also called: PLEC-Related Epidermolysis Bullosa with Pyloric Atresia; Epidermolysis bullosa simplex with pyloric atresia; PLEC1-Related Epidermolysis Bullosa with Pyloric Atresia. Identifiers: Orphanet 158684, MedGen C2677349, MONDO:0012807, OMIM 612138.
Autosomal recessive limb-girdle muscular dystrophy type 2Q (LGMDR17). Also called: MUSCULAR DYSTROPHY, LIMB-GIRDLE, AUTOSOMAL RECESSIVE 17. Identifiers: Orphanet 254361, MedGen C3150989, MONDO:0013390, OMIM 613723.
Inborn genetic diseases. Identifiers: MedGen C0950123, MeSH D030342.

Allele frequency attached by ClinVar (database versions not stated): gnomAD exomes 0.00001 and below 0.00001; TOPMed 0.00002; gnomAD 0.00001.
gnomAD v4.1: 14 of 1,613,194 alleles (0.00087%); highest among the groups gnomAD compares: African/African-American, 0.0053%; no homozygotes.

Submissions (2):

Ambry Genetics
Classification: Uncertain significance for Inborn genetic diseases. Last evaluated: 2026-04-28. Review status: criteria provided, single submitter. Criteria: Ambry Variant Classification Scheme 2023. Collection method: clinical testing. Allele origin: germline.

Labcorp Genetics (formerly Invitae), Labcorp
Classification: Uncertain significance for Autosomal recessive limb-girdle muscular dystrophy type 2Q; Epidermolysis bullosa simplex, Ogna type; Epidermolysis bullosa simplex with nail dystrophy; Epidermolysis bullosa simplex 5C, with pyloric atresia; Epidermolysis bullosa simplex 5B, with muscular dystrophy. Last evaluated: 2022-07-11. Review status: criteria provided, single submitter. Criteria: Invitae Variant Classification Sherloc (09022015). Collection method: clinical testing. Allele origin: germline.
Comment: In summary, the available evidence is currently insufficient to determine the role of this variant in disease. Therefore, it has been classified as a Variant of Uncertain Significance. Algorithms developed to predict the effect of missense changes on protein structure and function are either unavailable or do not agree on the potential impact of this missense change (SIFT: "Tolerated"; PolyPhen-2: "Probably Damaging"; Align-GVGD: "Class C0"). ClinVar contains an entry for this variant (Variation ID: 966324). This variant has not been reported in the literature in individuals affected with PLEC-related conditions. This variant is present in population databases (no rsID available, gnomAD 0.007%). This sequence change replaces glycine, which is neutral and non-polar, with serine, which is neutral and polar, at codon 3696 of the PLEC protein (p.Gly3696Ser).

NM_201384.3(PLEC):c.11005G>A (p.Gly3669Ser)

Gene: PLEC (plectin; minus strand). Cytogenetic location: 8q24.3.
Variant type: single nucleotide variant.
Coding change: c.11005G>A on transcript NM_201384.3 (MANE Select); coding-DNA position 11005, G replaced by A.
Protein change: p.Gly3669Ser; replaces glycine 3669 with serine.
Molecular consequence: missense variant.
Genome position (GRCh38, 1-based): chr8:143,918,816, C>T on the plus strand (G>A on the coding strand, the complement: PLEC is on the minus strand). VCF-style: chr8-143918816-C-T. GRCh37 (hg19) VCF-style: chr8-144992984-C-T.
Other names: c.11086G>A, p.Gly3696Ser (NM_000445.5); c.10963G>A, p.Gly3655Ser (NM_201378.4); c.10939G>A, p.Gly3647Ser (NM_201379.3); c.11416G>A, p.Gly3806Ser (NM_201380.4); c.10909G>A, p.Gly3637Ser (NM_201381.3); c.11005G>A, p.Gly3669Ser (NM_201382.4); c.11017G>A, p.Gly3673Ser (NM_201383.3); c.11086G>A (NM_000445.3); short protein forms G3637S, G3647S, G3673S, G3696S, G3806S, G3655S, G3669S.
Identifiers: ClinVar variation 966324 (VCV000966324.11), dbSNP rs1382452627, ClinGen allele CA372494971.